The following is an entry in ClinVar:

ClinVar aggregate classification (germline): Uncertain significance (1 of 4 stars; one submission).

Conditions:
Tuberous sclerosis 2 (TSC2). Identifiers: Orphanet 805, MedGen C1860707, MONDO:0013199, OMIM 613254.

Submission:

Labcorp Genetics (formerly Invitae), Labcorp
Classification: Uncertain significance for Tuberous sclerosis 2. Last evaluated: 2021-10-16. Review status: criteria provided, single submitter. Criteria: Invitae Variant Classification Sherloc (09022015). Collection method: clinical testing. Allele origin: germline.
Comment: This variant is not present in population databases (ExAC no frequency). This variant has not been reported in the literature in individuals affected with TSC2-related conditions. Advanced modeling of protein sequence and biophysical properties (such as structural, functional, and spatial information, amino acid conservation, physicochemical variation, residue mobility, and thermodynamic stability) performed at Invitae indicates that this missense variant is not expected to disrupt TSC2 protein function. In summary, the available evidence is currently insufficient to determine the role of this variant in disease. Therefore, it has been classified as a Variant of Uncertain Significance. This sequence change replaces valine with glutamic acid at codon 1008 of the TSC2 protein (p.Val1008Glu). The valine residue is weakly conserved and there is a moderate physicochemical difference between valine and glutamic acid.

NM_000548.5(TSC2):c.3023T>A (p.Val1008Glu)

Gene: TSC2 (TSC complex subunit 2; plus strand). Cytogenetic location: 16p13.3.
Variant type: single nucleotide variant.
Coding change: c.3023T>A on transcript NM_000548.5 (MANE Select); coding-DNA position 3023, T replaced by A.
Protein change: p.Val1008Glu; replaces valine 1008 with glutamic acid.
Molecular consequence: missense variant.
Genome position (GRCh38, 1-based): chr16:2,079,088, T>A. VCF-style: chr16-2079088-T-A. GRCh37 (hg19) VCF-style: chr16-2129089-T-A.
Other names: c.2924T>A, p.Val975Glu (NM_001318832.2); c.2894T>A, p.Val965Glu (NM_001363528.2, NM_001370405.1, NM_021055.3); c.2891T>A, p.Val964Glu (NM_001077183.3, NM_001370404.1); c.3023T>A, p.Val1008Glu (NM_001114382.3); c.2783T>A, p.Val928Glu (NM_001318827.2); c.2747T>A, p.Val916Glu (NM_001318829.2); c.2291T>A, p.Val764Glu (NM_001318831.2); short protein forms V1008E, V928E, V965E, V764E, V964E, V916E, V975E.
Identifiers: ClinVar variation 1497361 (VCV001497361.6), dbSNP rs2151431875, ClinGen allele CA394283951.
Genomic context (GRCh38, chr16:2,079,088, plus strand): 5'-CCAGCAGGATACAGACGTCCCTCACCAGTGCCAGCTTGGGGTCTGCAGATGAGAACTCCG[T>A]GGCCCAGGCTGACGATAGCCTGAAAAACCTCCACCTGGAGCTCACGGAAACCTGTCTGGA-3'
Protein context (NP_000539.2, residues 998-1018): ASLGSADENS[Val1008Glu]AQADDSLKNL